The following is an entry in ClinVar:

ClinVar aggregate classification (germline): Likely benign (1 of 4 stars; one submission).

Submission:

CeGaT Center for Human Genetics Tuebingen
Classification: Likely benign. Last evaluated: 2025-05-01. Review status: criteria provided, single submitter. Criteria: CeGaT Center For Human Genetics Tuebingen Variant Classification Criteria Version 2. Collection method: clinical testing. Allele origin: germline. Affected: yes. Observed: 1 variant allele.
Comment: FCGBP: BP4, BP7

NM_003890.3(FCGBP):c.9723G>A (p.Ser3241=)

Gene: FCGBP (Fc gamma binding protein; minus strand). Cytogenetic location: 19q13.2.
Variant type: single nucleotide variant.
Coding change: c.9723G>A on transcript NM_003890.3 (MANE Select); coding-DNA position 9723, G replaced by A.
Protein change: p.Ser3241=; no amino-acid change (serine 3241 retained).
Molecular consequence: synonymous variant.
Genome position (GRCh38, 1-based): chr19:39,893,247, C>T on the plus strand (G>A on the coding strand, the complement: FCGBP is on the minus strand). VCF-style: chr19-39893247-C-T. GRCh37 (hg19) VCF-style: chr19-40383887-C-T.
Identifiers: ClinVar variation 3905137 (VCV003905137.10).